The following is an entry in ClinVar:

NM_000245.4(MET):c.2970C>A (p.Ser990Arg)

Gene: MET (MET proto-oncogene, receptor tyrosine kinase; plus strand). Cytogenetic location: 7q31.2.
Variant type: single nucleotide variant.
Coding change: c.2970C>A on transcript NM_000245.4 (MANE Select); coding-DNA position 2970, C replaced by A.
Protein change: p.Ser990Arg; replaces serine 990 with arginine.
Molecular consequence: missense variant.
Genome position (GRCh38, 1-based): chr7:116,771,931, C>A. VCF-style: chr7-116771931-C-A. GRCh37 (hg19) VCF-style: chr7-116411985-C-A.
Other names: c.3024C>A, p.Ser1008Arg (NM_001127500.3); c.1680C>A, p.Ser560Arg (NM_001324402.2); short protein forms S1008R, S990R, S560R.
Identifiers: ClinVar variation 2587482 (VCV002587482.2), dbSNP rs544081614, ClinGen allele CA368987257.
Genomic context (GRCh38, chr7:116,771,931, plus strand): 5'-CTACGATGCAAGAGTACACACTCCTCATTTGGATAGGCTTGTAAGTGCCCGAAGTGTAAG[C>A]CCAACTACAGAAATGGTTTCAAATGAATCTGTAGACTACCGAGCTACTTTTCCAGAAGGT-3'
Protein context (NP_000236.2, residues 980-1000): LDRLVSARSV[Ser990Arg]PTTEMVSNES

ClinVar aggregate classification (germline): Uncertain significance (1 of 4 stars; one submission).

Conditions:
Hereditary cancer-predisposing syndrome. Also called: Tumor predisposition; Hereditary Cancer Syndrome; Hereditary neoplastic syndrome; Neoplastic Syndromes, Hereditary. Identifiers: Orphanet 140162, MedGen C0027672, MeSH D009386, MONDO:0015356.

Submission:

Ambry Genetics
Classification: Uncertain significance for Hereditary cancer-predisposing syndrome. Last evaluated: 2023-07-25. Review status: criteria provided, single submitter. Criteria: Ambry Variant Classification Scheme 2023. Collection method: clinical testing. Allele origin: germline.
Comment: The p.S1008R variant (also known as c.3024C>A), located in coding exon 13 of the MET gene, results from a C to A substitution at nucleotide position 3024. The serine at codon 1008 is replaced by arginine, an amino acid with dissimilar properties. This amino acid position is conserved. In addition, the in silico prediction for this alteration is inconclusive. Since supporting evidence is limited at this time, the clinical significance of this alteration remains unclear.